The following is an entry in ClinVar:

NM_004104.5(FASN):c.1849C>A (p.Pro617Thr)

Gene: FASN (fatty acid synthase; minus strand). Cytogenetic location: 17q25.3.
Variant type: single nucleotide variant.
Coding change: c.1849C>A on transcript NM_004104.5 (MANE Select); coding-DNA position 1849, C replaced by A.
Protein change: p.Pro617Thr; replaces proline 617 with threonine.
Molecular consequence: missense variant.
Genome position (GRCh38, 1-based): chr17:82,090,396, G>T on the plus strand (C>A on the coding strand, the complement: FASN is on the minus strand). VCF-style: chr17-82090396-G-T. GRCh37 (hg19) VCF-style: chr17-80048272-G-T.
Other names: c.1849C>A (NM_004104.4); short protein forms P617T.
Identifiers: ClinVar variation 2918438 (VCV002918438.4), dbSNP rs754816915, ClinGen allele CA8853013.

ClinVar aggregate classification (germline): Uncertain significance. Review status: criteria provided, multiple submitters, no conflicts (2 of 4 stars). 2 submissions from 2 submitters: Uncertain significance (2). Last evaluated 2025-10-17.

Conditions:
Epileptic encephalopathy. Identifiers: MedGen C0543888, HP:0200134.

Allele frequency attached by ClinVar (database versions not stated): gnomAD exomes below 0.00001; gnomAD 0.00001; TOPMed 0.00002; ExAC 0.00005.
gnomAD v4.1: 3 of 1,594,318 alleles (0.00019%); highest among the groups gnomAD compares: African/African-American, 0.004%; no homozygotes.

Submissions (2):

Ambry Genetics
Classification: Uncertain significance. Last evaluated: 2025-10-17. Review status: criteria provided, single submitter. Criteria: Ambry Variant Classification Scheme 2023. Collection method: clinical testing. Allele origin: germline.

Labcorp Genetics (formerly Invitae), Labcorp
Classification: Uncertain significance for Epileptic encephalopathy. Last evaluated: 2024-01-21. Review status: criteria provided, single submitter. Criteria: Invitae Variant Classification Sherloc (09022015). Collection method: clinical testing. Allele origin: germline.
Comment: This sequence change replaces proline, which is neutral and non-polar, with threonine, which is neutral and polar, at codon 617 of the FASN protein (p.Pro617Thr). The frequency data for this variant in the population databases is considered unreliable, as metrics indicate poor data quality at this position in the gnomAD database. This variant has not been reported in the literature in individuals affected with FASN-related conditions. An algorithm developed to predict the effect of missense changes on protein structure and function (PolyPhen-2) suggests that this variant is likely to be tolerated. In summary, the available evidence is currently insufficient to determine the role of this variant in disease. Therefore, it has been classified as a Variant of Uncertain Significance.